The following is an entry in ClinVar:

NM_024408.4(NOTCH2):c.6759G>A (p.Trp2253Ter)

Gene: NOTCH2 (notch receptor 2; minus strand). Cytogenetic location: 1p12.
Variant type: single nucleotide variant.
Coding change: c.6759G>A on transcript NM_024408.4 (MANE Select); coding-DNA position 6759, G replaced by A.
Protein change: p.Trp2253Ter; replaces tryptophan 2253 with a stop codon.
Molecular consequence: nonsense.
Genome position (GRCh38, 1-based): chr1:119,915,963, C>T on the plus strand (G>A on the coding strand, the complement: NOTCH2 is on the minus strand). VCF-style: chr1-119915963-C-T. GRCh37 (hg19) VCF-style: chr1-120458586-C-T.
Other names: short protein forms W2253*.
Identifiers: ClinVar variation 4717528 (VCV004717528.1).

ClinVar aggregate classification (germline): Pathogenic (1 of 4 stars; one submission).

Conditions:
Hajdu-Cheney syndrome (HJCYS). Also called: ACROOSTEOLYSIS WITH OSTEOPOROSIS AND CHANGES IN SKULL AND MANDIBLE; SERPENTINE FIBULA-POLYCYSTIC KIDNEY SYNDROME; Acroosteolysis dominant type. Identifiers: Orphanet 955, MedGen C0917715, MONDO:0007057, OMIM 102500.

Submission:

Labcorp Genetics (formerly Invitae), Labcorp
Classification: Pathogenic for Hajdu-Cheney syndrome. Last evaluated: 2025-04-14. Review status: criteria provided, single submitter. Criteria: Invitae Variant Classification Sherloc (09022015). Collection method: clinical testing. Allele origin: germline.
Comment: This sequence change creates a premature translational stop signal (p.Trp2253*) in the NOTCH2 gene. While this is not anticipated to result in nonsense mediated decay, it is expected to disrupt the last 219 amino acid(s) of the NOTCH2 protein. This variant is not present in population databases (gnomAD no frequency). This premature translational stop signal has been observed in individuals with Hajdu–Cheney syndrome (PMID: 32772338, 36622389). It has also been observed to segregate with disease in related individuals. This protein change is located in a region of the NOTCH2 protein where a significant number of previously reported NOTCH2 nonsense and frameshift mutations are found (PMID: 21378985, 23389697, 26627824). For these reasons, this variant has been classified as Pathogenic.

Literature cited by the submitters: PubMed 32772338; PubMed 36622389; PubMed 21378985; PubMed 23389697; PubMed 26627824.